The following is an entry in ClinVar:

ClinVar aggregate classification (germline): Conflicting classifications of pathogenicity. Review status: criteria provided, conflicting classifications (1 of 4 stars). 4 submissions from 4 submitters: Pathogenic (2); Uncertain significance (1). 1 of the submissions does not count toward it. Last evaluated 2024-03-14.

Conditions:
Catifa syndrome. Also called: CLEFT LIP, CATARACT, TOOTH ABNORMALITY, IMPAIRED INTELLECTUAL DEVELOPMENT, FACIAL DYSMORPHISM, AND ATTENTION-DEFICIT HYPERACTIVITY DISORDER. Identifiers: MedGen C5231492, MONDO:0032901, OMIM 618761.

Submissions (4):

Genomic Medicine Center of Excellence, King Faisal Specialist Hospital and Research Centre
Classification: Uncertain significance for CATIFA syndrome. Last evaluated: 2024-03-14. Review status: criteria provided, single submitter. Criteria: ACMG Guidelines, 2015. Collection method: clinical testing. Allele origin: germline.

Daryl Scott Lab, Baylor College of Medicine
Classification: Pathogenic for Catifa syndrome. Last evaluated: 2024-01-01. Review status: criteria provided, single submitter. Criteria: ACMG Guidelines, 2015. Collection method: clinical testing. Allele origin: biparental. Observed: 1 homozygote.
Comment: PS3, PS4, PM2, PP1, PP3

Baylor Genetics
Classification: Pathogenic for Catifa syndrome. Last evaluated: 2020-06-19. Review status: criteria provided, single submitter. Criteria: ACMG Guidelines, 2015. Collection method: clinical testing. Allele origin: unknown. Affected: yes.
Comment: This variant was determined to be pathogenic according to ACMG Guidelines, 2015 [PMID:25741868].

OMIM
Classification: Pathogenic for CATIFA SYNDROME. Last evaluated: 2020-02-06. Review status: no assertion criteria provided. Collection method: literature only. Allele origin: germline. Not counted in ClinVar's aggregate classification.

Literature cited by the submitters: PubMed 27878435 (cited by OMIM); PubMed 31932796 (cited by OMIM).

NM_020829.4(RIC1):c.3794G>C (p.Arg1265Pro)

Gene: RIC1 (RIC1 homolog, RAB6A GEF complex partner 1; plus strand). Cytogenetic location: 9p24.1.
Variant type: single nucleotide variant.
Coding change: c.3794G>C on transcript NM_020829.4 (MANE Select); coding-DNA position 3794, G replaced by C.
Protein change: p.Arg1265Pro; replaces arginine 1265 with proline.
Molecular consequence: missense variant.
Genome position (GRCh38, 1-based): chr9:5,772,741, G>C. VCF-style: chr9-5772741-G-C. GRCh37 (hg19) VCF-style: chr9-5772741-G-C.
Other names: c.3683G>C, p.Arg1228Pro (NM_001206557.2); short protein forms R1265P, R1228P.
Identifiers: ClinVar variation 810663 (VCV000810663.6), dbSNP rs763515150, ClinGen allele CA372853873.